The following is an entry in ClinVar:

NM_000512.5(GALNS):c.120C>A (p.Asp40Glu)

Genes: GALNS (galactosamine (N-acetyl)-6-sulfatase; minus strand), TRAPPC2L (trafficking protein particle complex subunit 2L; plus strand), LOC130059762 (ATAC-STARR-seq lymphoblastoid silent region 7883; plus strand). Cytogenetic location: 16q24.3.
Variant type: single nucleotide variant.
Coding change: c.120C>A on transcript NM_000512.5 (MANE Select); coding-DNA position 120, C replaced by A.
Protein change: p.Asp40Glu; replaces aspartic acid 40 with glutamic acid.
Molecular consequence: missense variant. On other transcripts: 5 prime UTR variant (2).
Genome position (GRCh38, 1-based): chr16:88,856,758, G>T on the plus strand (C>A on the coding strand, the complement: GALNS is on the minus strand). VCF-style: chr16-88856758-G-T. GRCh37 (hg19) VCF-style: chr16-88923166-G-T.
Other names: c.-312C>A (NM_001323543.2); c.-33C>A (NM_001323544.2); short protein forms D40E.
Identifiers: ClinVar variation 4720995 (VCV004720995.1).

ClinVar aggregate classification (germline): Uncertain significance (1 of 4 stars; one submission).

Conditions:
Mucopolysaccharidosis, MPS-IV-A (MPS4A). Also called: Morquio syndrome A, mild; MORQUIO SYNDROME A; GALACTOSAMINE-6-SULFATASE DEFICIENCY; GALNS DEFICIENCY; MORQUIO A DISEASE; Mucopolysaccharidosis type IV A. Identifiers: Orphanet 309297, Orphanet 582, MedGen C0086651, MONDO:0009659, OMIM 253000.

Submission:

Labcorp Genetics (formerly Invitae), Labcorp
Classification: Uncertain significance for Mucopolysaccharidosis, MPS-IV-A. Last evaluated: 2025-07-02. Review status: criteria provided, single submitter. Criteria: Invitae Variant Classification Sherloc (09022015). Collection method: clinical testing. Allele origin: germline.
Comment: This sequence change replaces aspartic acid, which is acidic and polar, with glutamic acid, which is acidic and polar, at codon 40 of the GALNS protein (p.Asp40Glu). This variant is not present in population databases (gnomAD no frequency). This variant has not been reported in the literature in individuals affected with GALNS-related conditions. An algorithm developed to predict the effect of missense changes on protein structure and function (PolyPhen-2) suggests that this variant is likely to be tolerated. This variant disrupts the p.Asp40 amino acid residue in GALNS. Other variant(s) that disrupt this residue have been determined to be pathogenic (PMID: 24726177, 30980944; internal data). This suggests that this residue is clinically significant, and that variants that disrupt this residue are likely to be disease-causing. In summary, the available evidence is currently insufficient to determine the role of this variant in disease. Therefore, it has been classified as a Variant of Uncertain Significance.

Literature cited by the submitters: PubMed 24726177; PubMed 30980944.